The following is an entry in ClinVar:

ClinVar aggregate classification (germline): Conflicting classifications of pathogenicity. Review status: criteria provided, conflicting classifications (1 of 4 stars). 7 submissions from 7 submitters: Uncertain significance (4); Likely benign (3). Last evaluated 2025-12-25.

Conditions:
Collagen 6-related myopathy. Identifiers: MedGen CN117976, MONDO:0100225.
Bethlem myopathy 1A. Also called: Bethlem myopathy 1; MYOPATHY, BENIGN CONGENITAL, WITH CONTRACTURES; Bethlem Muscular Dystrophy. Identifiers: Orphanet 610, MedGen CN029274, MONDO:0024530, OMIM 158810.

Allele frequency attached by ClinVar (database versions not stated): gnomAD 0.00011; gnomAD exomes 0.00012 and 0.00016; TOPMed 0.00015; ExAC 0.00018.
gnomAD v4.1: 214 of 1,606,564 alleles (0.013%); highest among the groups gnomAD compares: East Asian, 0.049%; no homozygotes.

Submissions (7):

Labcorp Genetics (formerly Invitae), Labcorp
Classification: Likely benign for Bethlem myopathy 1A. Last evaluated: 2025-12-25. Review status: criteria provided, single submitter. Criteria: Invitae Variant Classification Sherloc (09022015). Collection method: clinical testing. Allele origin: germline.

CeGaT Center for Human Genetics Tuebingen
Classification: Likely benign. Last evaluated: 2025-02-01. Review status: criteria provided, single submitter. Criteria: CeGaT Center For Human Genetics Tuebingen Variant Classification Criteria Version 2. Collection method: clinical testing. Allele origin: germline. Affected: yes. Observed: 1 variant allele.
Comment: COL6A2: BP4

Blueprint Genetics
Classification: Uncertain significance. Last evaluated: 2024-10-29. Review status: criteria provided, single submitter. Criteria: ACMG Guidelines, 2015. Collection method: clinical testing. Allele origin: germline.

Revvity Omics, Revvity
Classification: Uncertain significance. Last evaluated: 2022-12-05. Review status: criteria provided, single submitter. Criteria: ACMG Guidelines, 2015. Collection method: clinical testing. Allele origin: germline.

Department of Pathology and Laboratory Medicine, Sinai Health System
Classification: Uncertain significance for collagen 6-related myopathy. Last evaluated: 2021-07-30. Review status: criteria provided, single submitter. Criteria: ACMG Guidelines, 2015. Collection method: research. Allele origin: germline.

Eurofins Ntd Llc (ga)
Classification: Uncertain significance. Last evaluated: 2018-03-08. Review status: criteria provided, single submitter. Criteria: EGL ClinVar v180209 classification definitions. Collection method: clinical testing. Allele origin: germline. Observed: 6 variant alleles, 6 heterozygotes.

Illumina Laboratory Services, Illumina
Classification: Likely benign for Collagen VI-related myopathy. Last evaluated: 2018-01-12. Review status: criteria provided, single submitter. Criteria: ICSL Variant Classification Criteria 13 December 2019. Collection method: clinical testing. Allele origin: germline.
Comment: This variant was observed in the ICSL laboratory as part of a predisposition screen in an ostensibly healthy population. It had not been previously curated by ICSL or reported in the Human Gene Mutation Database (HGMD: prior to June 1st, 2018), and was therefore a candidate for classification through an automated scoring system. Utilizing variant allele frequency, disease prevalence and penetrance estimates, and inheritance mode, an automated score was calculated to assess if this variant is too frequent to cause the disease. Based on the score and internal cut-off values, a variant classified as likely benign is not then subjected to further curation. The score for this variant resulted in a classification of likely benign for this disease.

NM_001849.4(COL6A2):c.2798G>A (p.Arg933His)

Gene: COL6A2 (collagen type VI alpha 2 chain; plus strand). Cytogenetic location: 21q22.3.
Variant type: single nucleotide variant.
Coding change: c.2798G>A on transcript NM_001849.4 (MANE Select); coding-DNA position 2798, G replaced by A.
Protein change: p.Arg933His; replaces arginine 933 with histidine.
Molecular consequence: missense variant.
Genome position (GRCh38, 1-based): chr21:46,132,290, G>A. VCF-style: chr21-46132290-G-A. GRCh37 (hg19) VCF-style: chr21-47552204-G-A.
Other names: short protein forms R933H.
Identifiers: ClinVar variation 283689 (VCV000283689.36), dbSNP rs374384263, ClinGen allele CA10073026.